The following is an entry in ClinVar:

NM_198271.5(LMOD3):c.1330C>T (p.Gln444Ter)

Gene: LMOD3 (leiomodin 3; minus strand). Cytogenetic location: 3p14.1.
Variant type: single nucleotide variant.
Coding change: c.1330C>T on transcript NM_198271.5 (MANE Select); coding-DNA position 1330, C replaced by T.
Protein change: p.Gln444Ter; replaces glutamine 444 with a stop codon.
Molecular consequence: nonsense.
Genome position (GRCh38, 1-based): chr3:69,119,025, G>A on the plus strand (C>T on the coding strand, the complement: LMOD3 is on the minus strand). VCF-style: chr3-69119025-G-A. GRCh37 (hg19) VCF-style: chr3-69168176-G-A.
Other names: c.1330C>T, p.Gln444Ter (NM_001304418.3); short protein forms Q444*.
Identifiers: ClinVar variation 2149678 (VCV002149678.4), dbSNP rs969633376, ClinGen allele CA76452366.

ClinVar aggregate classification (germline): Pathogenic (1 of 4 stars; one submission).

Conditions:
Nemaline myopathy 10 (NEM10). Identifiers: MedGen C4015360, MONDO:0014513, OMIM 616165.

Allele frequency attached by ClinVar (database versions not stated): gnomAD exomes below 0.00001; gnomAD 0.00001.

Submission:

Labcorp Genetics (formerly Invitae), Labcorp
Classification: Pathogenic for Nemaline myopathy 10. Last evaluated: 2024-05-15. Review status: criteria provided, single submitter. Criteria: Invitae Variant Classification Sherloc (09022015). Collection method: clinical testing. Allele origin: germline.
Comment: This sequence change creates a premature translational stop signal (p.Gln444*) in the LMOD3 gene. It is expected to result in an absent or disrupted protein product. Loss-of-function variants in LMOD3 are known to be pathogenic (PMID: 25250574). This variant is present in population databases (no rsID available, gnomAD 0.007%). This variant has not been reported in the literature in individuals affected with LMOD3-related conditions. ClinVar contains an entry for this variant (Variation ID: 2149678). For these reasons, this variant has been classified as Pathogenic.

Literature cited by the submitters: PubMed 25250574.